The following is an entry in ClinVar:

ClinVar aggregate classification (germline): Uncertain significance (1 of 4 stars; one submission).

gnomAD v4.1: 2 of 1,605,984 alleles (0.00012%); highest among the groups gnomAD compares: Non-Finnish European, 0.00017%; no homozygotes.

Submission:

GeneDx
Classification: Uncertain significance. Last evaluated: 2025-09-12. Review status: criteria provided, single submitter. Criteria: GeneDx Variant Classification Process June 2021. Collection method: clinical testing. Allele origin: germline. Affected: yes.
Comment: Not observed at significant frequency in large population cohorts (gnomAD); In silico analysis supports a deleterious effect on splicing; Has not been previously published as pathogenic or benign to our knowledge

NM_005422.4(TECTA):c.4105+4A>G

Genes: TBCEL-TECTA (TBCEL-TECTA readthrough; plus strand), TECTA (tectorin alpha; plus strand). Cytogenetic location: 11q23.3.
Variant type: single nucleotide variant.
Coding change: c.4105+4A>G on transcript NM_005422.4 (MANE Select); 4 bases into the intron after coding-DNA position 4105, A replaced by G.
Molecular consequence: intron variant.
Genome position (GRCh38, 1-based): chr11:121,146,120, A>G. VCF-style: chr11-121146120-A-G. GRCh37 (hg19) VCF-style: chr11-121016829-A-G.
Other names: c.5062+4A>G (NM_001378761.1).
Identifiers: ClinVar variation 4813395 (VCV004813395.1).